The following is an entry in ClinVar:

ClinVar aggregate classification (germline): Uncertain significance. Review status: criteria provided, multiple submitters, no conflicts (2 of 4 stars). 3 submissions from 3 submitters: Uncertain significance (3). Last evaluated 2026-02-02.

Conditions:
Early Myoclonic Encephalopathy. Identifiers: MedGen C0270855.

Allele frequency attached by ClinVar (database versions not stated): gnomAD 0.00004 and 0.00005; gnomAD exomes 0.00005; ExAC 0.00006; TOPMed 0.00006; ESP Exome Variant Server 0.00025.
gnomAD v4.1: 91 of 1,600,860 alleles (0.0057%); highest among the groups gnomAD compares: Non-Finnish European, 0.0076%; no homozygotes.

Submissions (3):

Labcorp Genetics (formerly Invitae), Labcorp
Classification: Uncertain significance for Early Myoclonic Encephalopathy. Last evaluated: 2026-02-02. Review status: criteria provided, single submitter. Criteria: Invitae Variant Classification Sherloc (09022015). Collection method: clinical testing. Allele origin: germline.
Comment: This sequence change replaces alanine, which is neutral and non-polar, with threonine, which is neutral and polar, at codon 1618 of the JMJD1C protein (p.Ala1618Thr). This variant is present in population databases (rs201271782, gnomAD 0.01%). This variant has not been reported in the literature in individuals affected with JMJD1C-related conditions. ClinVar contains an entry for this variant (Variation ID: 806481). Invitae Evidence Modeling of protein sequence and biophysical properties (such as structural, functional, and spatial information, amino acid conservation, physicochemical variation, residue mobility, and thermodynamic stability) indicates that this missense variant is not expected to disrupt JMJD1C protein function with a negative predictive value of 80%. In summary, the available evidence is currently insufficient to determine the role of this variant in disease. Therefore, it has been classified as a Variant of Uncertain Significance.

Revvity Omics, Revvity
Classification: Uncertain significance. Last evaluated: 2020-11-17. Review status: criteria provided, single submitter. Criteria: ACMG Guidelines, 2015. Collection method: clinical testing. Allele origin: germline.

CeGaT Center for Human Genetics Tuebingen
Classification: Uncertain significance. Last evaluated: 2017-03-01. Review status: criteria provided, single submitter. Criteria: CeGaT Center For Human Genetics Tuebingen Variant Classification Criteria Version 2. Collection method: clinical testing. Allele origin: germline. Affected: yes. Observed: 1 variant allele.

NM_032776.3(JMJD1C):c.4852G>A (p.Ala1618Thr)

Gene: JMJD1C (jumonji domain containing 1C; minus strand). Cytogenetic location: 10q21.3.
Variant type: single nucleotide variant.
Coding change: c.4852G>A on transcript NM_032776.3 (MANE Select); coding-DNA position 4852, G replaced by A.
Protein change: p.Ala1618Thr; replaces alanine 1618 with threonine.
Molecular consequence: missense variant. On other transcripts: non-coding transcript variant (1).
Genome position (GRCh38, 1-based): chr10:63,206,817, C>T on the plus strand (G>A on the coding strand, the complement: JMJD1C is on the minus strand). VCF-style: chr10-63206817-C-T. GRCh37 (hg19) VCF-style: chr10-64966577-C-T.
Other names: c.4306G>A, p.Ala1436Thr (NM_001282948.2, NM_001318154.2); c.3988G>A, p.Ala1330Thr (NM_001318153.2); c.4738G>A, p.Ala1580Thr (NM_001322252.2); c.4195G>A, p.Ala1399Thr (NM_001322254.2, NM_001322258.2); short protein forms A1436T, A1580T, A1330T, A1399T, A1618T.
Identifiers: ClinVar variation 806481 (VCV000806481.50), dbSNP rs201271782, ClinGen allele CA5518198.